The following is an entry in ClinVar:

ClinVar aggregate classification (germline): Uncertain significance (1 of 4 stars; one submission).

Conditions:
Inborn genetic diseases. Identifiers: MedGen C0950123, MeSH D030342.

Submission:

Ambry Genetics
Classification: Uncertain significance for Inborn genetic diseases. Last evaluated: 2026-08-08. Review status: criteria provided, single submitter. Criteria: Ambry Variant Classification Scheme 2023. Collection method: clinical testing. Allele origin: germline.
Comment: The p.N553S variant (also known as c.1658A>G), located in coding exon 13 of the DNMT3A gene, results from an A to G substitution at nucleotide position 1658. The asparagine at codon 553 is replaced by serine, an amino acid with highly similar properties. This amino acid position is conserved. In addition, this alteration is predicted to be tolerated by in silico analysis. Based on the available evidence, the clinical significance of this variant remains unclear.

NM_022552.5(DNMT3A):c.1658A>G (p.Asn553Ser)

Gene: DNMT3A (DNA methyltransferase 3 alpha; minus strand). Cytogenetic location: 2p23.3.
Variant type: single nucleotide variant.
Coding change: c.1658A>G on transcript NM_022552.5 (MANE Select); coding-DNA position 1658, A replaced by G.
Protein change: p.Asn553Ser; replaces asparagine 553 with serine.
Molecular consequence: missense variant. On other transcripts: non-coding transcript variant (1).
Genome position (GRCh38, 1-based): chr2:25,244,549, T>C on the plus strand (A>G on the coding strand, the complement: DNMT3A is on the minus strand). VCF-style: chr2-25244549-T-C. GRCh37 (hg19) VCF-style: chr2-25467418-T-C.
Other names: c.1202A>G, p.Asn401Ser (NM_001320893.1); c.989A>G, p.Asn330Ser (NM_001375819.1); c.1091A>G, p.Asn364Ser (NM_153759.3); c.1658A>G, p.Asn553Ser (NM_175629.2); short protein forms N330S, N364S, N553S, N401S.
Identifiers: ClinVar variation 5035516 (VCV005035516.1).